The following is an entry in ClinVar:

NM_002386.4(MC1R):c.737T>C (p.Leu246Pro)

Gene: MC1R (melanocortin 1 receptor; plus strand). Cytogenetic location: 16q24.3.
Variant type: single nucleotide variant.
Coding change: c.737T>C on transcript NM_002386.4 (MANE Select); coding-DNA position 737, T replaced by C.
Protein change: p.Leu246Pro; replaces leucine 246 with proline.
Molecular consequence: missense variant.
Genome position (GRCh38, 1-based): chr16:89,919,995, T>C. VCF-style: chr16-89919995-T-C. GRCh37 (hg19) VCF-style: chr16-89986403-T-C.
Other names: short protein forms L246P.
Identifiers: ClinVar variation 5024082 (VCV005024082.1).
Genomic context (GRCh38, chr16:89,919,995, plus strand): 5'-AGAGGCAGCGCCCGGTCCACCAGGGCTTTGGCCTTAAAGGCGCTGTCACCCTCACCATCC[T>C]GCTGGGCATTTTCTTCCTCTGCTGGGGCCCCTTCTTCCTGCATCTCACACTCATCGTCCT-3'
Protein context (NP_002377.4, residues 236-256): GLKGAVTLTI[Leu246Pro]LGIFFLCWGP

ClinVar aggregate classification (germline): Uncertain significance (1 of 4 stars; one submission).

Submission:

Ambry Genetics
Classification: Uncertain significance. Last evaluated: 2026-08-16. Review status: criteria provided, single submitter. Criteria: Ambry Variant Classification Scheme 2023. Collection method: clinical testing. Allele origin: germline.
Comment: The p.L246P variant (also known as c.737T>C), located in coding exon 1 of the MC1R gene, results from a T to C substitution at nucleotide position 737. The leucine at codon 246 is replaced by proline, an amino acid with similar properties. This amino acid position is conserved. In addition, this alteration is predicted to be deleterious by in silico analysis. Based on the available evidence, the clinical significance of this variant remains unclear.